The following is an entry in ClinVar:

ClinVar aggregate classification (germline): Uncertain significance (1 of 4 stars; one submission).

Conditions:
Dilated cardiomyopathy 1W (CMD1W). Identifiers: Orphanet 154, MedGen C1969639, MONDO:0012667, OMIM 611407.

Submission:

Labcorp Genetics (formerly Invitae), Labcorp
Classification: Uncertain significance for Dilated cardiomyopathy 1W. Last evaluated: 2023-02-28. Review status: criteria provided, single submitter. Criteria: Invitae Variant Classification Sherloc (09022015). Collection method: clinical testing. Allele origin: germline.
Comment: This variant has not been reported in the literature in individuals affected with VCL-related conditions. This variant is not present in population databases (gnomAD no frequency). This sequence change falls in intron 17 of the VCL gene. It does not directly change the encoded amino acid sequence of the VCL protein. It affects a nucleotide within the consensus splice site. Variants that disrupt the consensus splice site are a relatively common cause of aberrant splicing (PMID: 17576681, 9536098). Algorithms developed to predict the effect of sequence changes on RNA splicing suggest that this variant may disrupt the consensus splice site. In summary, the available evidence is currently insufficient to determine the role of this variant in disease. Therefore, it has been classified as a Variant of Uncertain Significance.

Literature cited by the submitters: PubMed 17576681; PubMed 9536098.

NM_014000.3(VCL):c.2559+5_2559+8del

Gene: VCL (vinculin; plus strand). Cytogenetic location: 10q22.2.
Variant type: Microsatellite.
Coding change: c.2559+5_2559+8del on transcript NM_014000.3 (MANE Select); bases 5 to 8 of the intron after coding-DNA position 2559, 4 bases deleted (GTAA; older notation c.2559+5_2559+8delGTAA).
Molecular consequence: splice donor variant.
Genome position (GRCh38, 1-based): chr10:74,107,359-74,107,362, GTAA deleted; deleting any 4 consecutive bases within chr10:74,107,354-74,107,362 gives the same sequence; the c. name uses the placement nearest the transcript's 3' end. VCF-style (leftmost placement, unchanged base first): chr10-74107353-GAGTA-G. GRCh37 (hg19) VCF-style: chr10-75867111-GAGTA-G.
Other names: c.2559+5_2559+8del (NM_003373.4).
Identifiers: ClinVar variation 1051094 (VCV001051094.9), dbSNP rs1840152081, ClinGen allele CA1919899062.
Genomic context (GRCh38, chr10:74,107,353, plus strand): 5'-AAGCCTTCCAACCTCAGGAGCCTGACTTCCCGCCGCCTCCACCAGACCTTGAACAACTCC[GAGTA>G]AGTAAATTCAGATATGCAGAGAATTGAGCAGGAAGGTGTTGAGACTTCAGCAAGAGAGAG-3'